The following is an entry in ClinVar:

ClinVar aggregate classification (germline): Uncertain significance. Review status: criteria provided, single submitter (1 of 4 stars). 2 submissions from 2 submitters: Uncertain significance (1). 1 of the submissions does not count toward it. Last evaluated 2025-04-28.

Conditions:
Usher syndrome type 1 (USH1). Also called: RETINITIS PIGMENTOSA AND CONGENITAL DEAFNESS. Identifiers: Orphanet 231169, Orphanet 886, MedGen C1568247, MONDO:0010168, OMIM 276900.

Allele frequency attached by ClinVar (database versions not stated): TOPMed below 0.00001; gnomAD 0.00001; gnomAD exomes 0.00001 and 0.00002; ExAC 0.00002; 1000 Genomes Project 30x 0.00016; 1000 Genomes Project 0.00020.
gnomAD v4.1: 24 of 1,613,998 alleles (0.0015%); highest among the groups gnomAD compares: Non-Finnish European, 0.0019%; no homozygotes.

Submissions (2):

Labcorp Genetics (formerly Invitae), Labcorp
Classification: Uncertain significance. Last evaluated: 2025-04-28. Review status: criteria provided, single submitter. Criteria: Invitae Variant Classification Sherloc (09022015). Collection method: clinical testing. Allele origin: germline.
Comment: This sequence change replaces phenylalanine, which is neutral and non-polar, with leucine, which is neutral and non-polar, at codon 78 of the CDH23 protein (p.Phe78Leu). This variant is present in population databases (rs562521392, gnomAD 0.007%). This variant has not been reported in the literature in individuals affected with CDH23-related conditions. ClinVar contains an entry for this variant (Variation ID: 1021781). Invitae Evidence Modeling of protein sequence and biophysical properties (such as structural, functional, and spatial information, amino acid conservation, physicochemical variation, residue mobility, and thermodynamic stability) has been performed for this missense variant. However, the output from this modeling did not meet the statistical confidence thresholds required to predict the impact of this variant on CDH23 protein function. In summary, the available evidence is currently insufficient to determine the role of this variant in disease. Therefore, it has been classified as a Variant of Uncertain Significance.

Natera, Inc.
Classification: Uncertain significance for Usher syndrome type 1. Last evaluated: 2020-05-20. Review status: no assertion criteria provided. Collection method: clinical testing. Allele origin: germline. Not counted in ClinVar's aggregate classification.

NM_022124.6(CDH23):c.234T>G (p.Phe78Leu)

Genes: CDH23-AS1 (CDH23 antisense RNA 1; minus strand), CDH23 (cadherin related 23; plus strand). Cytogenetic location: 10q22.1.
Variant type: single nucleotide variant.
Coding change: c.234T>G on transcript NM_022124.6 (MANE Select); coding-DNA position 234, T replaced by G.
Protein change: p.Phe78Leu; replaces phenylalanine 78 with leucine.
Molecular consequence: missense variant.
Genome position (GRCh38, 1-based): chr10:71,510,170, T>G. VCF-style: chr10-71510170-T-G. GRCh37 (hg19) VCF-style: chr10-73269927-T-G.
Other names: c.234T>G, p.Phe78Leu (NM_001171930.2, NM_001171931.2, NM_001171932.2 and 1 more transcripts); short protein forms F78L.
Identifiers: ClinVar variation 1021781 (VCV001021781.10), dbSNP rs562521392, ClinGen allele CA5543328.